The following is an entry in ClinVar:

NM_198904.4(GABRG2):c.1189A>G (p.Ile397Val)

Gene: GABRG2 (gamma-aminobutyric acid type A receptor subunit gamma2; plus strand). Cytogenetic location: 5q34.
Variant type: single nucleotide variant.
Coding change: c.1189A>G on transcript NM_198904.4 (MANE Select); coding-DNA position 1189, A replaced by G.
Protein change: p.Ile397Val; replaces isoleucine 397 with valine.
Molecular consequence: missense variant. On other transcripts: 3 prime UTR variant (1).
Genome position (GRCh38, 1-based): chr5:162,153,129, A>G. VCF-style: chr5-162153129-A-G. GRCh37 (hg19) VCF-style: chr5-161580135-A-G.
Other names: p.Ile389Val; c.1165A>G, p.Ile389Val (NM_000816.3); c.1180A>G, p.Ile394Val (NM_001375339.1); c.*23A>G (NM_001375340.1); c.1186A>G, p.Ile396Val (NM_001375341.1); c.1162A>G, p.Ile388Val (NM_001375342.1); c.1285A>G, p.Ile429Val (NM_001375343.1); c.1228A>G, p.Ile410Val (NM_001375344.1); and 7 more; short protein forms I249V, I368V, I375V, I367V, I389V, I394V, I410V, I429V.
Identifiers: ClinVar variation 957766 (VCV000957766.27), dbSNP rs375785093, ClinGen allele CA3544974.

ClinVar aggregate classification (germline): Conflicting classifications of pathogenicity. Review status: criteria provided, conflicting classifications (1 of 4 stars). 4 submissions from 4 submitters: Uncertain significance (2); Likely benign (2). Last evaluated 2025-08-28.

Conditions:
Inborn genetic diseases. Identifiers: MedGen C0950123, MeSH D030342.
EPILEPSY, CHILDHOOD ABSENCE, SUSCEPTIBILITY TO, 2 (ECA2). Identifiers: Orphanet 64280, MedGen C1843244, OMIM 607681.
Febrile seizures, familial, 8 (FEB8). Also called: CONVULSIONS, FAMILIAL FEBRILE, 8. Identifiers: Orphanet 36387, MedGen C1969810, MONDO:0011891, OMIM 607681.

Allele frequency attached by ClinVar (database versions not stated): ExAC 0.00003; gnomAD 0.00004; gnomAD exomes 0.00004 and 0.00006; TOPMed 0.00005; ESP Exome Variant Server 0.00008.
gnomAD v4.1: 90 of 1,613,918 alleles (0.0056%); highest among the groups gnomAD compares: Non-Finnish European, 0.0075%; no homozygotes.

Submissions (4):

Labcorp Genetics (formerly Invitae), Labcorp
Classification: Likely benign for Febrile seizures, familial, 8; EPILEPSY, CHILDHOOD ABSENCE, SUSCEPTIBILITY TO, 2. Last evaluated: 2025-08-28. Review status: criteria provided, single submitter. Criteria: Invitae Variant Classification Sherloc (09022015). Collection method: clinical testing. Allele origin: germline.

CeGaT Center for Human Genetics Tuebingen
Classification: Uncertain significance. Last evaluated: 2025-07-01. Review status: criteria provided, single submitter. Criteria: CeGaT Center For Human Genetics Tuebingen Variant Classification Criteria Version 2. Collection method: clinical testing. Allele origin: germline. Affected: yes. Observed: 2 variant alleles.

Mayo Clinic Laboratories, Mayo Clinic
Classification: Uncertain significance. Last evaluated: 2022-03-07. Review status: criteria provided, single submitter. Criteria: ACMG Guidelines, 2015. Collection method: clinical testing. Allele origin: germline. Observed: 1 variant allele.
Comment: BP5

Ambry Genetics
Classification: Likely benign for Inborn genetic diseases. Last evaluated: 2017-12-18. Review status: criteria provided, single submitter. Criteria: Ambry Variant Classification Scheme 2023. Collection method: clinical testing. Allele origin: germline.

Literature cited by the submitters: PubMed 25726841 (cited by Ambry Genetics).